The following is an entry in ClinVar:

NM_018076.5(ODAD2):c.1788A>T (p.Gln596His)

Gene: ODAD2 (outer dynein arm docking complex subunit 2; minus strand). Cytogenetic location: 10p12.1.
Variant type: single nucleotide variant.
Coding change: c.1788A>T on transcript NM_018076.5 (MANE Select); coding-DNA position 1788, A replaced by T.
Protein change: p.Gln596His; replaces glutamine 596 with histidine.
Molecular consequence: missense variant.
Genome position (GRCh38, 1-based): chr10:27,940,761, T>A on the plus strand (A>T on the coding strand, the complement: ODAD2 is on the minus strand). VCF-style: chr10-27940761-T-A. GRCh37 (hg19) VCF-style: chr10-28229690-T-A.
Other names: c.1788A>T, p.Gln596His (NM_001290020.2); c.363A>T, p.Gln121His (NM_001290021.2); c.864A>T, p.Gln288His (NM_001312689.2); short protein forms Q596H, Q288H, Q121H.
Identifiers: ClinVar variation 3302154 (VCV003302154.1).

ClinVar aggregate classification (germline): Uncertain significance (1 of 4 stars; one submission).

Conditions:
Primary ciliary dyskinesia. Also called: Ciliary dyskinesia. Identifiers: Orphanet 244, MedGen C0008780, MONDO:0016575, HP:0012265.

Submission:

Ambry Genetics
Classification: Uncertain significance for Primary ciliary dyskinesia. Last evaluated: 2024-06-21. Review status: criteria provided, single submitter. Criteria: Ambry Variant Classification Scheme 2023. Collection method: clinical testing. Allele origin: germline.
Comment: The p.Q596H variant (also known as c.1788A>T), located in coding exon 12 of the ARMC4 gene, results from an A to T substitution at nucleotide position 1788. The glutamine at codon 596 is replaced by histidine, an amino acid with highly similar properties. This amino acid position is conserved. In addition, this alteration is predicted to be tolerated by in silico analysis. Based on the available evidence, the clinical significance of this variant remains unclear.